The following is an entry in ClinVar:

ClinVar aggregate classification (germline): Uncertain significance (1 of 4 stars; one submission).

Conditions:
Kabuki syndrome 2 (KABUK2). Also called: KDM6A-Related Kabuki Syndrome. Identifiers: Orphanet 2322, MedGen C3275495, MONDO:0010465, OMIM 300867.

Allele frequency attached by ClinVar (database versions not stated): gnomAD exomes below 0.00001.
gnomAD v4.1: 3 of 1,159,760 alleles (0.00026%); highest among the groups gnomAD compares: Non-Finnish European, 0.00035%; no homozygotes.

Submission:

Labcorp Genetics (formerly Invitae), Labcorp
Classification: Uncertain significance for Kabuki syndrome 2. Last evaluated: 2024-02-14. Review status: criteria provided, single submitter. Criteria: Invitae Variant Classification Sherloc (09022015). Collection method: clinical testing. Allele origin: germline.
Comment: This sequence change replaces serine, which is neutral and polar, with cysteine, which is neutral and slightly polar, at codon 446 of the KDM6A protein (p.Ser446Cys). This variant is not present in population databases (gnomAD no frequency). This missense change has been observed in individual(s) with intellectual disability (PMID: 29302074). ClinVar contains an entry for this variant (Variation ID: 2151339). Advanced modeling of protein sequence and biophysical properties (such as structural, functional, and spatial information, amino acid conservation, physicochemical variation, residue mobility, and thermodynamic stability) performed at Invitae indicates that this missense variant is not expected to disrupt KDM6A protein function with a negative predictive value of 80%. In summary, the available evidence is currently insufficient to determine the role of this variant in disease. Therefore, it has been classified as a Variant of Uncertain Significance.

Literature cited by the submitters: PubMed 29302074.

NM_001291415.2(KDM6A):c.1493C>G (p.Ser498Cys)

Gene: KDM6A (lysine demethylase 6A; plus strand). Cytogenetic location: Xp11.3.
Variant type: single nucleotide variant.
Coding change: c.1493C>G on transcript NM_001291415.2 (MANE Select); coding-DNA position 1493, C replaced by G.
Protein change: p.Ser498Cys; replaces serine 498 with cysteine.
Molecular consequence: missense variant. On other transcripts: non-coding transcript variant (1).
Genome position (GRCh38, 1-based): chrX:45,061,331, C>G. VCF-style: chrX-45061331-C-G. GRCh37 (hg19) VCF-style: chrX-44920576-C-G.
Other names: c.1358C>G, p.Ser453Cys (NM_001291416.2); c.1202C>G, p.Ser401Cys (NM_001291417.2, NM_001291418.2); c.449C>G, p.Ser150Cys (NM_001291421.2); c.1337C>G, p.Ser446Cys (NM_001410742.1, NM_021140.4); short protein forms S150C, S446C, S453C, S401C, S498C.
Identifiers: ClinVar variation 2151339 (VCV002151339.4), dbSNP rs2147974841, ClinGen allele CA412784704.